The following is an entry in ClinVar:

NM_024334.3(TMEM43):c.658C>G (p.Arg220Gly)

Gene: TMEM43 (transmembrane protein 43; plus strand). Cytogenetic location: 3p25.1.
Variant type: single nucleotide variant.
Coding change: c.658C>G on transcript NM_024334.3 (MANE Select); coding-DNA position 658, C replaced by G.
Protein change: p.Arg220Gly; replaces arginine 220 with glycine.
Molecular consequence: missense variant.
Genome position (GRCh38, 1-based): chr3:14,134,844, C>G. VCF-style: chr3-14134844-C-G. GRCh37 (hg19) VCF-style: chr3-14176344-C-G.
Other names: c.661C>G, p.Arg221Gly (NM_001407274.1); c.658C>G, p.Arg220Gly (NM_001407275.1, NM_001407276.1, NM_001407277.1 and 1 more transcripts); c.643C>G, p.Arg215Gly (NM_001407278.1); c.508C>G, p.Arg170Gly (NM_001407280.1); short protein forms R215G, R221G, R170G, R220G.
Identifiers: ClinVar variation 2774601 (VCV002774601.2), dbSNP rs562700595, ClinGen allele CA351535581.

ClinVar aggregate classification (germline): Uncertain significance (1 of 4 stars; one submission).

Conditions:
Cardiomyopathy (CMYO). Also called: Cardiomyopathies. Identifiers: Orphanet 167848, MedGen C0878544, MONDO:0004994, HP:0001638. Inheritance: Various modes of inheritance.

Submission:

Color Diagnostics, LLC DBA Color Health
Classification: Uncertain significance for Cardiomyopathy. Last evaluated: 2024-03-07. Review status: criteria provided, single submitter. Criteria: ACMG Guidelines, 2015. Collection method: clinical testing. Allele origin: germline.
Comment: This missense variant replaces arginine with glycine at codon 220 of the TMEM43 protein. Computational prediction suggests that this variant may not impact protein structure and function (internally defined REVEL score threshold <= 0.5, PMID: 27666373). To our knowledge, functional studies have not been reported for this variant. This variant has not been reported in individuals affected with cardiovascular disorders in the literature. This variant has not been identified in the general population by the Genome Aggregation Database (gnomAD). The available evidence is insufficient to determine the role of this variant in disease conclusively. Therefore, this variant is classified as a Variant of Uncertain Significance.